The following is an entry in ClinVar:

NM_014244.5(ADAMTS2):c.3059C>T (p.Ala1020Val)

Gene: ADAMTS2 (ADAM metallopeptidase with thrombospondin type 1 motif 2; minus strand). Cytogenetic location: 5q35.3.
Variant type: single nucleotide variant.
Coding change: c.3059C>T on transcript NM_014244.5 (MANE Select); coding-DNA position 3059, C replaced by T.
Protein change: p.Ala1020Val; replaces alanine 1020 with valine.
Molecular consequence: missense variant.
Genome position (GRCh38, 1-based): chr5:179,122,673, G>A on the plus strand (C>T on the coding strand, the complement: ADAMTS2 is on the minus strand). VCF-style: chr5-179122673-G-A. GRCh37 (hg19) VCF-style: chr5-178549674-G-A.
Other names: short protein forms A1020V.
Identifiers: ClinVar variation 1702226 (VCV001702226.6), dbSNP rs1309222711, ClinGen allele CA362417935.

ClinVar aggregate classification (germline): Uncertain significance. Review status: criteria provided, multiple submitters, no conflicts (2 of 4 stars). 2 submissions from 2 submitters: Uncertain significance (2). Last evaluated 2023-12-18.

Conditions:
Ehlers-Danlos syndrome (EDS). Identifiers: Orphanet 98249, MedGen C0013720, MONDO:0020066.
Ehlers-Danlos syndrome, dermatosparaxis type. Also called: Dermatosparaxis; Ehlers-Danlos syndrome, type VII, autosomal recessive; EDS VIIC. Identifiers: Orphanet 1901, MedGen C2700425, MONDO:0009161, OMIM 225410.

Allele frequency attached by ClinVar (database versions not stated): gnomAD 0.00001 and 0.00003; gnomAD exomes 0.00001.
gnomAD v4.1: 7 of 1,551,320 alleles (0.00045%); highest among the groups gnomAD compares: East Asian, 0.0073%; no homozygotes.

Submissions (2):

Labcorp Genetics (formerly Invitae), Labcorp
Classification: Uncertain significance for Ehlers-Danlos syndrome, dermatosparaxis type. Last evaluated: 2023-12-18. Review status: criteria provided, single submitter. Criteria: Invitae Variant Classification Sherloc (09022015). Collection method: clinical testing. Allele origin: germline.
Comment: This sequence change replaces alanine, which is neutral and non-polar, with valine, which is neutral and non-polar, at codon 1020 of the ADAMTS2 protein (p.Ala1020Val). The frequency data for this variant in the population databases is considered unreliable, as metrics indicate poor data quality at this position in the gnomAD database. This variant has not been reported in the literature in individuals affected with ADAMTS2-related conditions. ClinVar contains an entry for this variant (Variation ID: 1702226). An algorithm developed to predict the effect of missense changes on protein structure and function (PolyPhen-2) suggests that this variant¬†is likely to be tolerated. Algorithms developed to predict the effect of sequence changes on RNA splicing suggest that this variant may disrupt the consensus splice site. In summary, the available evidence is currently insufficient to determine the role of this variant in disease. Therefore, it has been classified as a Variant of Uncertain Significance.

Genome Diagnostics Laboratory, The Hospital for Sick Children
Classification: Uncertain significance for Ehlers-Danlos syndrome. Last evaluated: 2021-08-13. Review status: criteria provided, single submitter. Criteria: ACMG Guidelines, 2015. Collection method: clinical testing. Allele origin: germline.